The following is an entry in ClinVar:

ClinVar aggregate classification (germline): Conflicting classifications of pathogenicity. Review status: criteria provided, conflicting classifications (1 of 4 stars). 3 submissions from 3 submitters: Uncertain significance (1); Likely benign (2). Last evaluated 2026-03-11.

Conditions:
PLEC-related disorder. Also called: PLEC-related condition; PLEC-related disorders.
Epidermolysis bullosa simplex 5B, with muscular dystrophy (EBS5B). Also called: EPIDERMOLYSIS BULLOSA SIMPLEX AND LIMB-GIRDLE MUSCULAR DYSTROPHY; Epidermolysis bullosa simplex with muscular dystrophy. Identifiers: Orphanet 257, MedGen C2931072, MONDO:0009181, OMIM 226670.
Epidermolysis bullosa simplex, Ogna type (EBS5A). Also called: Pidermolysis bullosa simplex 5A, Ogna type; EPIDERMOLYSIS BULLOSA SIMPLEX 5A, OGNA TYPE. Identifiers: Orphanet 79401, MedGen C0432317, MONDO:0007555, OMIM 131950.
Autosomal recessive limb-girdle muscular dystrophy type 2Q (LGMDR17). Also called: MUSCULAR DYSTROPHY, LIMB-GIRDLE, AUTOSOMAL RECESSIVE 17. Identifiers: Orphanet 254361, MedGen C3150989, MONDO:0013390, OMIM 613723.
Epidermolysis bullosa simplex with nail dystrophy (EBS5D). Identifiers: MedGen C4225309, MONDO:0014661, OMIM 616487.
Epidermolysis bullosa simplex 5C, with pyloric atresia (EBS5C). Also called: PLEC-Related Epidermolysis Bullosa with Pyloric Atresia; Epidermolysis bullosa simplex with pyloric atresia; PLEC1-Related Epidermolysis Bullosa with Pyloric Atresia. Identifiers: Orphanet 158684, MedGen C2677349, MONDO:0012807, OMIM 612138.

Allele frequency attached by ClinVar (database versions not stated): ExAC 0.00001; gnomAD 0.00002; gnomAD exomes 0.00002 and 0.00003; TOPMed 0.00002.
gnomAD v4.1: 41 of 1,610,384 alleles (0.0025%); highest among the groups gnomAD compares: Admixed American, 0.0033%; no homozygotes.

Submissions (3):

PreventionGenetics, part of Exact Sciences
Classification: Likely benign for PLEC-related condition. Last evaluated: 2026-03-11. Review status: criteria provided, single submitter. Criteria: ACMG Guidelines, 2015. Collection method: clinical testing. Allele origin: germline.
Comment: This variant is classified as likely benign based on ACMG/AMP sequence variant interpretation guidelines (Richards et al. 2015 PMID: 25741868, with internal and published modifications).

Labcorp Genetics (formerly Invitae), Labcorp
Classification: Likely benign for Autosomal recessive limb-girdle muscular dystrophy type 2Q; Epidermolysis bullosa simplex, Ogna type; Epidermolysis bullosa simplex with nail dystrophy; Epidermolysis bullosa simplex 5C, with pyloric atresia; Epidermolysis bullosa simplex 5B, with muscular dystrophy. Last evaluated: 2022-09-24. Review status: criteria provided, single submitter. Criteria: Invitae Variant Classification Sherloc (09022015). Collection method: clinical testing. Allele origin: germline.

Eurofins Ntd Llc (ga)
Classification: Uncertain significance. Last evaluated: 2015-08-06. Review status: criteria provided, single submitter. Criteria: EGL Classification Definitions 2015. Collection method: clinical testing. Allele origin: germline. Observed: 2 variant alleles, 2 heterozygotes.

NM_201384.3(PLEC):c.3948C>T (p.Tyr1316=)

Gene: PLEC (plectin; minus strand). Cytogenetic location: 8q24.3.
Variant type: single nucleotide variant.
Coding change: c.3948C>T on transcript NM_201384.3 (MANE Select); coding-DNA position 3948, C replaced by T.
Protein change: p.Tyr1316=; no amino-acid change (tyrosine 1316 retained).
Molecular consequence: synonymous variant.
Genome position (GRCh38, 1-based): chr8:143,926,880, G>A on the plus strand (C>T on the coding strand, the complement: PLEC is on the minus strand). VCF-style: chr8-143926880-G-A. GRCh37 (hg19) VCF-style: chr8-145001048-G-A.
Other names: c.4029C>T, p.Tyr1343= (NM_000445.5); c.3906C>T, p.Tyr1302= (NM_201378.4); c.3882C>T, p.Tyr1294= (NM_201379.3); c.4359C>T, p.Tyr1453= (NM_201380.4); c.3852C>T, p.Tyr1284= (NM_201381.3); c.3948C>T, p.Tyr1316= (NM_201382.4); c.3960C>T, p.Tyr1320= (NM_201383.3); c.4029C>T (NM_000445.4).
Identifiers: ClinVar variation 196661 (VCV000196661.13), dbSNP rs782715020, ClinGen allele CA243703.